The following is an entry in ClinVar:

NM_001242896.3(DEPDC5):c.842A>T (p.Tyr281Phe)

Gene: DEPDC5 (DEP domain containing 5, GATOR1 subcomplex subunit; plus strand). Cytogenetic location: 22q12.2.
Variant type: single nucleotide variant.
Coding change: c.842A>T on transcript NM_001242896.3 (MANE Select); coding-DNA position 842, A replaced by T.
Protein change: p.Tyr281Phe; replaces tyrosine 281 with phenylalanine.
Molecular consequence: missense variant. On other transcripts: non-coding transcript variant (5).
Genome position (GRCh38, 1-based): chr22:31,797,674, A>T. VCF-style: chr22-31797674-A-T. GRCh37 (hg19) VCF-style: chr22-32193660-A-T.
Other names: c.842A>T, p.Tyr281Phe (NM_001007188.4, NM_001136029.4, NM_001242897.2 and 7 more transcripts); c.758A>T, p.Tyr253Phe (NM_001369901.1, NM_001369902.1); short protein forms Y281F, Y253F.
Identifiers: ClinVar variation 264753 (VCV000264753.44), dbSNP rs200797928, ClinGen allele CA10196127.

ClinVar aggregate classification (germline): Conflicting classifications of pathogenicity. Review status: criteria provided, conflicting classifications (1 of 4 stars). 6 submissions from 6 submitters: Uncertain significance (3); Likely benign (2). 1 of the submissions does not count toward it. Last evaluated 2025-10-27.

Conditions:
Familial focal epilepsy with variable foci (FPEVF). Identifiers: Orphanet 98820, MedGen C1858477, MONDO:0020310.
Inborn genetic diseases. Identifiers: MedGen C0950123, MeSH D030342.
Epilepsy, familial focal, with variable foci 1 (FFEVF1). Also called: DEPDC5-Related Epilepsy. Identifiers: MedGen C4551983, MONDO:0024556, OMIM 604364.

Allele frequency attached by ClinVar (database versions not stated): TOPMed 0.00003; ExAC 0.00004; gnomAD 0.00006.
gnomAD v4.1: 62 of 1,613,886 alleles (0.0038%); highest among the groups gnomAD compares: African/African-American, 0.0053%; no homozygotes.

Submissions (7):

Labcorp Genetics (formerly Invitae), Labcorp
Classification: Uncertain significance for Familial focal epilepsy with variable foci. Last evaluated: 2025-10-27. Review status: criteria provided, single submitter. Criteria: Invitae Variant Classification Sherloc (09022015). Collection method: clinical testing. Allele origin: germline.
Comment: This sequence change replaces tyrosine, which is neutral and polar, with phenylalanine, which is neutral and non-polar, at codon 281 of the DEPDC5 protein (p.Tyr281Phe). This variant is present in population databases (rs200797928, gnomAD 0.01%). This missense change has been observed in individuals with clinical features of DEPDC5-related conditions (PMID: 27066554; internal data). It has also been observed to segregate with disease in related individuals. ClinVar contains an entry for this variant (Variation ID: 264753). Experimental studies and prediction algorithms are not available or were not evaluated, and the functional significance of this variant is currently unknown. In summary, the available evidence is currently insufficient to determine the role of this variant in disease. Therefore, it has been classified as a Variant of Uncertain Significance.

Blueprint Genetics
Classification: Uncertain significance. Last evaluated: 2023-12-08. Review status: criteria provided, single submitter. Criteria: ACMG Guidelines, 2015. Collection method: clinical testing. Allele origin: germline.

CeGaT Center for Human Genetics Tuebingen
Classification: Likely benign. Last evaluated: 2023-06-01. Review status: criteria provided, single submitter. Criteria: CeGaT Center For Human Genetics Tuebingen Variant Classification Criteria Version 2. Collection method: clinical testing. Allele origin: germline. Affected: yes. Observed: 1 variant allele.
Comment: DEPDC5: BS3:Supporting

GeneDx
Classification: Likely benign. Last evaluated: 2020-04-13. Review status: criteria provided, single submitter. Criteria: GeneDx Variant Classification Process June 2021. Collection method: clinical testing. Allele origin: germline. Affected: yes.
Comment: This variant is associated with the following publications: (PMID: 27683934, 29359340, 30080265, 27066554, 30093711, 31639411)

Ambry Genetics
Classification: Uncertain significance for Inborn genetic diseases. Last evaluated: 2017-04-17. Review status: criteria provided, single submitter. Criteria: Ambry Variant Classification Scheme 2023. Collection method: clinical testing. Allele origin: germline.
Comment: The p.Y281F variant (also known as c.842A>T), located in coding exon 12 of the DEPDC5 gene, results from an A to T substitution at nucleotide position 842. The tyrosine at codon 281 is replaced by phenylalanine, an amino acid with highly similar properties. This amino acid position is highly conserved in available vertebrate species. In addition, this alteration is predicted to be benign and deleterious by PolyPhen and SIFT in silico analyses, respectively. Since supporting evidence is limited at this time, the clinical significance of this alteration remains unclear.

Dr. Peter K. Rogan Lab, Western University
No classification provided (evidence only). Condition: Sarcoma. Review status: no classification provided. Collection method: in vitro. Allele origin: not applicable. Functional consequence: retained intron. Not counted in ClinVar's aggregate classification.

GeneReviews
No classification provided. Condition: Epilepsy, familial focal, with variable foci 1. Review status: no classification provided. Collection method: literature only. Allele origin: germline. Affected: yes. Not counted in ClinVar's aggregate classification.

Literature cited by the submitters: PubMed 27066554 (cited by 3 submitters); NCBI Bookshelf NBK385626 (cited by GeneReviews).